The following is an entry in ClinVar:

NC_000010.10:g.(?_55892683)_(55893842_?)del

Gene: PCDH15 (protocadherin related 15; minus strand). Cytogenetic location: 10q21.1.
Variant type: Deletion.
Identifiers: ClinVar variation 2427108 (VCV002427108.4).

ClinVar aggregate classification (germline): Likely pathogenic (1 of 4 stars; one submission).

Submission:

Labcorp Genetics (formerly Invitae), Labcorp
Classification: Likely pathogenic. Last evaluated: 2022-06-26. Review status: criteria provided, single submitter. Criteria: Invitae Variant Classification Sherloc (09022015). Collection method: clinical testing. Allele origin: germline.
Comment: In summary, the currently available evidence indicates that the variant is pathogenic, but additional data are needed to prove that conclusively. Therefore, this variant has been classified as Likely Pathogenic. This variant has not been reported in the literature in individuals affected with PCDH15-related conditions. This variant results in the deletion of part of exon 15 (c.1785-1075_1869del) of the PCDH15 gene. It is expected to disrupt RNA splicing. Variants that disrupt the donor or acceptor splice site typically lead to a loss of protein function (PMID: 16199547), and loss-of-function variants in PCDH15 are known to be pathogenic (PMID: 11398101, 11487575, 14570705).

Literature cited by the submitters: PubMed 16199547; PubMed 11398101; PubMed 11487575; PubMed 14570705.